The following is an entry in ClinVar:

ClinVar aggregate classification (germline): Pathogenic/Likely pathogenic. Review status: criteria provided, multiple submitters, no conflicts (2 of 4 stars). 8 submissions from 8 submitters: Pathogenic (5); Likely pathogenic (1). 2 of the submissions do not count toward it. Last evaluated 2025-10-25.

Conditions:
RAS-ASSOCIATED AUTOIMMUNE LEUKOPROLIFERATIVE DISORDER 2, SOMATIC.
KRAS-related disorder. Also called: KRAS-related condition; KRAS-related disorders.
Non-small cell lung carcinoma (NSCLC). Also called: Non-small cell lung cancer. Identifiers: MedGen C0007131, MeSH D002289, MONDO:0005233, HP:0030358. Disease mechanism: Other.
Autoimmune lymphoproliferative syndrome type 4. Also called: RAS-associated autoimmune leukoproliferative disorder; AUTOIMMUNE LYMPHOPROLIFERATIVE SYNDROME, TYPE IV. Identifiers: Orphanet 268114, MedGen C2674723, MONDO:0013767, OMIM 614470.

Submissions (8):

3billion
Classification: Pathogenic for Autoimmune lymphoproliferative syndrome type 4. Last evaluated: 2025-10-25. Review status: criteria provided, single submitter. Criteria: ACMG Guidelines, 2015. Collection method: clinical testing. Allele origin: germline. Affected: yes.
Comment: The variant is not observed in the gnomAD v4.1.0 dataset. Predicted Consequence/Location: The variant is located in a mutational hot spot and/or well-established functional domain in which established pathogenic variants have been reported (PMID: 29493581). Missense variant. Missense changes are a common disease-causing mechanism. In silico tool predictions suggest damaging effect of the variant on gene or gene product [REVEL: 0.87 (>=0.6, sensitivity 0.68 and specificity 0.92); 3Cnet: 0.99 (> 0.75, sensitivity 0.96 and precision 0.92)]. The same nucleotide change resulting in the same amino acid change has been previously reported as pathogenic/likely pathogenic with strong evidence (ClinVar ID: VCV000045123 /PMID: 27577878 /3billion dataset). Different missense changes at the same codon (p.Gly13Arg, p.Gly13Asp, p.Gly13Val) have been reported as pathogenic/likely pathogenic with strong evidence (ClinVar ID: VCV000012580, VCV000012593, VCV000045124, VCV001691382 /3billion dataset). Therefore, this variant is classified as Pathogenic according to the recommendation of ACMG/AMP guideline.

Diagnostic Genetics, Severance Hospital, Yonsei University College of Medicine
Classification: Likely pathogenic for Autoimmune lymphoproliferative syndrome type 4. Last evaluated: 2023-01-03. Review status: criteria provided, single submitter. Criteria: ACMG Guidelines, 2015. Collection method: clinical testing. Allele origin: germline. Affected: yes.

GeneDx
Classification: Pathogenic. Last evaluated: 2022-09-21. Review status: criteria provided, single submitter. Criteria: GeneDx Variant Classification Process June 2021. Collection method: clinical testing. Allele origin: germline. Affected: yes.
Comment: Published functional studies demonstrate that this variant causes increased RAS activation (Niemela et al., 2011); Not observed at significant frequency in large population cohorts (gnomAD); Missense variants in this gene are often considered pathogenic (HGMD); This variant is associated with the following publications: (PMID: 19661383, 22306671, 17517660, 25705018, 25691160, 21063026, 34056834, 22571758, 29493581, 21079152, 17875937, 27577878, 35116442)

Blueprint Genetics
Classification: Pathogenic for KRAS-related disorders. Last evaluated: 2019-01-22. Review status: criteria provided, single submitter. Criteria: ACMG Guidelines, 2015. Collection method: clinical testing. Allele origin: germline. Affected: yes. Observed: 1 variant allele.

Laboratory for Molecular Medicine, Mass General Brigham Personalized Medicine
Classification: Pathogenic for Non-small cell lung carcinoma. Last evaluated: 2012-09-17. Review status: criteria provided, single submitter. Criteria: LMM Criteria. Collection method: clinical testing. Allele origin: somatic. Observed: 22 variant alleles.

Rady Children's Institute for Genomic Medicine, Rady Children's Hospital San Diego
Classification: Pathogenic for KRAS-related disorders. Review status: criteria provided, single submitter. Criteria: ACMG Guidelines, 2015. Collection method: clinical testing. Allele origin: germline. Affected: yes.
Comment: This variant has been previously reported as a somatic/ mosaic change in patients with RAS-associated autoimmune leukoproliferative disorder (PMID: 27577878, 21079152). Cells transfected with a plasmid-encoding mutant G13C showed an increased amount of active RAS versus wild-type KRAS suggesting a gain-of-function effect (PMID: 21079152). The c.37G>T (p.Gly13Cys) variant is absent from the gnomAD population database and thus is presumed to be rare. The c.37G>T (p.Gly13Cys) variant affects a highly conserved amino acid and is predicted by multiple in silico tools to have a deleterious effect on protein function. Analysis of the parental samples was negative for the variant, indicating this variant likely occurred as a de novo event. Based on the available evidence, the c.37G>T (p.Gly13Cys) variant is classified as Pathogenic.

OMIM
Classification: Pathogenic for RAS-ASSOCIATED AUTOIMMUNE LEUKOPROLIFERATIVE DISORDER 2, SOMATIC. Last evaluated: 2011-03-10. Review status: no assertion criteria provided. Collection method: literature only. Allele origin: somatic. Not counted in ClinVar's aggregate classification.

Department of Pathology and Laboratory Medicine, Sinai Health System
Classification: Pathogenic. Review status: no assertion criteria provided. Collection method: clinical testing. Allele origin: unknown. Affected: yes. Observed: 3 variant alleles. Study: The Canadian Open Genetics Repository (COGR). Not counted in ClinVar's aggregate classification.

Literature cited by the submitters: PubMed 27577878 (cited by 3billion); PubMed 15696205 (cited by Laboratory for Molecular Medicine, Mass General Brigham Personalized Medicine); PubMed 21079152 (cited by OMIM).

NM_004985.5(KRAS):c.37G>T (p.Gly13Cys)

Gene: KRAS (KRas proto-oncogene, GTPase; minus strand). Cytogenetic location: 12p12.1.
Variant type: single nucleotide variant.
Coding change: c.37G>T on transcript NM_004985.5 (MANE Select); coding-DNA position 37, G replaced by T.
Protein change: p.Gly13Cys; replaces glycine 13 with cysteine.
Molecular consequence: missense variant.
Genome position (GRCh38, 1-based): chr12:25,245,348, C>A on the plus strand (G>T on the coding strand, the complement: KRAS is on the minus strand). VCF-style: chr12-25245348-C-A. GRCh37 (hg19) VCF-style: chr12-25398282-C-A.
Other names: c.37G>T, p.Gly13Cys (NM_001369786.1, NM_001369787.1, NM_033360.4); c.37G>T (NM_033360.3); short protein forms G13C.
Identifiers: ClinVar variation 45123 (VCV000045123.15), dbSNP rs121913535, ClinGen allele CA135570.
Genomic context (GRCh38, chr12:25,245,348, plus strand): 5'-CATATTCGTCCACAAAATGATTCTGAATTAGCTGTATCGTCAAGGCACTCTTGCCTACGC[C>A]ACCAGCTCCAACTACCACAAGTTTATATTCAGTCATTTTCAGCAGGCCTTATAATAAAAA-3'
Protein context (NP_004976.2, residues 3-23): EYKLVVVGAG[Gly13Cys]VGKSALTIQL